The following is an entry in ClinVar:

NM_007118.4(TRIO):c.5590G>T (p.Ala1864Ser)

Gene: TRIO (trio Rho guanine nucleotide exchange factor; plus strand). Cytogenetic location: 5p15.2.
Variant type: single nucleotide variant.
Coding change: c.5590G>T on transcript NM_007118.4 (MANE Select); coding-DNA position 5590, G replaced by T.
Protein change: p.Ala1864Ser; replaces alanine 1864 with serine.
Molecular consequence: missense variant. On other transcripts: non-coding transcript variant (1).
Genome position (GRCh38, 1-based): chr5:14,462,848, G>T. VCF-style: chr5-14462848-G-T. GRCh37 (hg19) VCF-style: chr5-14462957-G-T.
Other names: short protein forms A1864S.
Identifiers: ClinVar variation 1690723 (VCV001690723.2), dbSNP rs758263284, ClinGen allele CA359231019.

ClinVar aggregate classification (germline): Uncertain significance (1 of 4 stars; one submission).

Submission:

Laboratorio de Genetica e Diagnostico Molecular, Hospital Israelita Albert Einstein
Classification: Uncertain significance. Last evaluated: 2019-10-28. Review status: criteria provided, single submitter. Criteria: ACMG Guidelines, 2015. Collection method: clinical testing. Allele origin: germline. Affected: yes.
Comment: ACMG classification criteria: PM2